The following is an entry in ClinVar:

NM_005188.4(CBL):c.874A>G (p.Ile292Val)

Gene: CBL (Cbl proto-oncogene; plus strand). Cytogenetic location: 11q23.3.
Variant type: single nucleotide variant.
Coding change: c.874A>G on transcript NM_005188.4 (MANE Select); coding-DNA position 874, A replaced by G.
Protein change: p.Ile292Val; replaces isoleucine 292 with valine.
Molecular consequence: missense variant.
Genome position (GRCh38, 1-based): chr11:119,276,001, A>G. VCF-style: chr11-119276001-A-G. GRCh37 (hg19) VCF-style: chr11-119146711-A-G.
Other names: short protein forms I292V.
Identifiers: ClinVar variation 4800603 (VCV004800603.1).

ClinVar aggregate classification (germline): Uncertain significance (1 of 4 stars; one submission).

Conditions:
RASopathy. Also called: rasopathies; Noonan spectrum disorder. Identifiers: Orphanet 536391, MedGen C5555857, MONDO:0021060.

gnomAD v4.1: 2 of 1,614,150 alleles (0.00012%); highest among the groups gnomAD compares: African/African-American, 0.0013%; no homozygotes.

Submission:

Labcorp Genetics (formerly Invitae), Labcorp
Classification: Uncertain significance for RASopathy. Last evaluated: 2026-01-05. Review status: criteria provided, single submitter. Criteria: Invitae Variant Classification Sherloc (09022015). Collection method: clinical testing. Allele origin: germline.
Comment: This sequence change replaces isoleucine, which is neutral and non-polar, with valine, which is neutral and non-polar, at codon 292 of the CBL protein (p.Ile292Val). This variant is not present in population databases (gnomAD no frequency). This variant has not been reported in the literature in individuals affected with CBL-related conditions. Invitae Evidence Modeling of protein sequence and biophysical properties (such as structural, functional, and spatial information, amino acid conservation, physicochemical variation, residue mobility, and thermodynamic stability) indicates that this missense variant is not expected to disrupt CBL protein function with a negative predictive value of 95%. In summary, the available evidence is currently insufficient to determine the role of this variant in disease. Therefore, it has been classified as a Variant of Uncertain Significance.